The following is an entry in ClinVar:

NM_058216.3(RAD51C):c.7G>A (p.Gly3Arg)

Gene: RAD51C (RAD51 paralog C; plus strand). Cytogenetic location: 17q22.
Variant type: single nucleotide variant.
Coding change: c.7G>A on transcript NM_058216.3 (MANE Select); coding-DNA position 7, G replaced by A.
Protein change: p.Gly3Arg; replaces glycine 3 with arginine.
Molecular consequence: missense variant. On other transcripts: non-coding transcript variant (2).
Genome position (GRCh38, 1-based): chr17:58,692,650, G>A. VCF-style: chr17-58692650-G-A. GRCh37 (hg19) VCF-style: chr17-56770011-G-A.
Other names: c.7G>A, p.Gly3Arg (NM_002876.4); short protein forms G3R.
Identifiers: ClinVar variation 184411 (VCV000184411.28), dbSNP rs376403182, ClinGen allele CA188884.

ClinVar aggregate classification (germline): Conflicting classifications of pathogenicity. Review status: criteria provided, conflicting classifications (1 of 4 stars). 11 submissions from 11 submitters: Uncertain significance (6); Likely benign (4). 1 of the submissions does not count toward it. Last evaluated 2026-01-12.

Conditions:
Familial ovarian cancer. Identifiers: MedGen C5679802, MONDO:0016248.
RAD51C-related disorder. Also called: RAD51C-related condition; RAD51C-related disorders.
Hereditary cancer-predisposing syndrome. Also called: Neoplastic Syndromes, Hereditary; Tumor predisposition; Hereditary neoplastic syndrome; Hereditary Cancer Syndrome. Identifiers: Orphanet 140162, MedGen C0027672, MeSH D009386, MONDO:0015356.
Hereditary breast ovarian cancer syndrome. Also called: Hereditary breast and/or ovarian cancer syndrome; Hereditary breast and ovarian cancer syndrome; Hereditary breast and ovarian cancer; Hereditary breast and ovarian cancer syndrome (HBOC); Breast and ovarian cancer; BRCA1- and BRCA2-Associated Hereditary Breast and Ovarian Cancer. Identifiers: Orphanet 145, MedGen C0677776, MeSH D061325, MONDO:0003582. Disease mechanism: loss of function.
Fanconi anemia complementation group O. Also called: RAD51C-Related Fanconi Anemia. Identifiers: Orphanet 84, MedGen C3150653, MONDO:0013248, OMIM 613390.
Breast-ovarian cancer, familial, susceptibility to, 3. Also called: RAD51C-Related Breast/Ovarian Cancer. Identifiers: Orphanet 145, MedGen C3150659, MONDO:0013253, OMIM 613399.

Allele frequency attached by ClinVar (database versions not stated): ExAC 0.00003; gnomAD 0.00003; gnomAD exomes 0.00003; TOPMed 0.00003; ESP Exome Variant Server 0.00008.
gnomAD v4.1: 54 of 1,614,020 alleles (0.0033%); highest among the groups gnomAD compares: Non-Finnish European, 0.0041%; no homozygotes.

Submissions (11):

Labcorp Genetics (formerly Invitae), Labcorp
Classification: Uncertain significance for Fanconi anemia complementation group O. Last evaluated: 2026-01-12. Review status: criteria provided, single submitter. Criteria: Invitae Variant Classification Sherloc (09022015). Collection method: clinical testing. Allele origin: germline.
Comment: This sequence change replaces glycine, which is neutral and non-polar, with arginine, which is basic and polar, at codon 3 of the RAD51C protein (p.Gly3Arg). This variant is present in population databases (rs376403182, gnomAD 0.007%). This missense change has been observed in individual(s) with breast cancer, ovarian cancer and head and neck squamous cell carcinoma (PMID: 20400964, 24315737, 25470109, 26261251, 26976419). ClinVar contains an entry for this variant (Variation ID: 184411). An algorithm developed to predict the effect of missense changes on protein structure and function (PolyPhen-2) suggests that this variant is likely to be tolerated. Experimental studies have shown that this missense change does not substantially affect RAD51C function (PMID: 20400964, 37253112). RNA analysis performed to evaluate the impact of this missense change on mRNA splicing indicates it does not significantly alter splicing (internal data). In summary, the available evidence is currently insufficient to determine the role of this variant in disease. Therefore, it has been classified as a Variant of Uncertain Significance.

PreventionGenetics, part of Exact Sciences
Classification: Uncertain significance for RAD51C-related condition. Last evaluated: 2026-01-06. Review status: criteria provided, single submitter. Criteria: ACMG Guidelines, 2015. Collection method: clinical testing. Allele origin: germline.
Comment: The RAD51C c.7G>A variant is predicted to result in the amino acid substitution p.Gly3Arg. This variant has been reported in several individuals with breast and/or ovarian cancer (Meindl et al. 2010. PubMed ID: 20400964; Song et al. 2015. PubMed ID: 26261251; Tung et al. 2016. PubMed ID: 26976419) and in one individual with sporadic squamous cell carcinoma of the head and neck (Scheckenbach et al. 2014. PubMed ID: 24315737). Of note, a large case-control study detected this variant in five breast cancer patients and three healthy control individuals with no cancer history (Breast Cancer Association Consortium et al. 2021. PubMed ID: 33471991). Furthermore, in vitro experimental studies have demonstrated the p.Gly3Arg mutant protein has homology-directed repair activity similar to wild type. (Meindl et al. 2010. PubMed ID: 20400964; Hu et al. 2023. PubMed ID: 37253112). This variant is reported in 0.0070% of alleles in individuals of European (Non-Finnish) descent in gnomAD and has conflicting interpretations regarding its pathogenicity in ClinVar ranging from likely benign to uncertain (Variation ID: 184411). Although we suspect that this variant may be benign, the clinical significance of this variant is uncertain at this time due to the absence of conclusive functional and genetic evidence.

Color Diagnostics, LLC DBA Color Health
Classification: Uncertain significance for Hereditary cancer-predisposing syndrome. Last evaluated: 2025-04-08. Review status: criteria provided, single submitter. Criteria: ACMG Guidelines, 2015. Collection method: clinical testing. Allele origin: germline.
Comment: This missense variant replaces glycine with arginine at codon 3 of the RAD51C protein. Computational prediction tool suggests that this variant may not impact protein structure and function. Functional studies have shown that this variant did not impact homology-directed repair (PMID: 37253112) and could restore normal mitomycin C sensitivity and RAD51 foci formation in the RAD51C mutant cells (PMID: 20400964). This variant has been reported in individuals affected with breast and/or ovarian cancer (PMID: 20400964, 25470109, 26261251, 26976419). This variant has been identified in 11/282672 chromosomes in the general population by the Genome Aggregation Database (gnomAD). The available evidence is insufficient to determine the role of this variant in disease conclusively. Therefore, this variant is classified as a Variant of Uncertain Significance.

Myriad Genetics, Inc.
Classification: Likely benign for Breast-ovarian cancer, familial, susceptibility to, 3. Last evaluated: 2025-02-13. Review status: criteria provided, single submitter. Criteria: Myriad Autosomal Dominant, Autosomal Recessive and X-Linked Classification Criteria (2023). Collection method: clinical testing. Allele origin: unknown.
Comment: This variant is considered likely benign. This variant is strongly associated with less severe personal and family histories of cancer, typical for individuals without pathogenic variants in this gene [PMID: 25085752].

Molecular Pathology, Peter Maccallum Cancer Centre
Classification: Uncertain significance for Familial ovarian cancer. Last evaluated: 2024-09-25. Review status: criteria provided, single submitter. Criteria: ACMG Guidelines, 2015. Collection method: clinical testing. Allele origin: germline. Inheritance: Autosomal dominant inheritance.

Department of Pathology and Laboratory Medicine, Sinai Health System
Classification: Uncertain significance for Hereditary breast ovarian cancer syndrome. Last evaluated: 2024-03-13. Review status: criteria provided, single submitter. Criteria: ACMG Guidelines, 2015. Collection method: clinical testing. Allele origin: germline. Affected: yes.

GeneDx
Classification: Uncertain significance. Last evaluated: 2022-11-22. Review status: criteria provided, single submitter. Criteria: GeneDx Variant Classification Process June 2021. Collection method: clinical testing. Allele origin: germline. Affected: yes.
Comment: In silico analysis supports that this missense variant does not alter protein structure/function; Published functional studies demonstrate no damaging effect: cell survival and RAD51 foci formation similar to wild-type (Meindl et al., 2010); Observed in individuals with breast, ovarian, and other cancers (Scheckenbach et al., 2014; Song et al., 2015; Tung et al., 2016); This variant is associated with the following publications: (PMID: 24315737, 26261251, 23117857, 26976419, 25470109, 21537932, 28829762, 33471991, 20400964)

Sema4
Classification: Likely benign for Hereditary cancer-predisposing syndrome. Last evaluated: 2021-04-22. Review status: criteria provided, single submitter. Criteria: Sema4 Curation Guidelines. Collection method: curation. Allele origin: germline.

Ambry Genetics
Classification: Likely benign for Hereditary cancer-predisposing syndrome. Last evaluated: 2018-11-16. Review status: criteria provided, single submitter. Criteria: Ambry Variant Classification Scheme 2023. Collection method: clinical testing. Allele origin: germline.

Institute for Biomarker Research, Medical Diagnostic Laboratories, L.L.C.
Classification: Likely benign for Hereditary cancer-predisposing syndrome. Last evaluated: 2017-07-12. Review status: criteria provided, single submitter. Criteria: ACMG Guidelines, 2015. Collection method: clinical testing. Allele origin: germline.

Leiden Open Variation Database
Classification: Likely benign. Last evaluated: 2014-11-02. Review status: no assertion criteria provided. Collection method: curation. Allele origin: germline. Affected: yes. Not counted in ClinVar's aggregate classification.
Comment: Curator: Arleen D. Auerbach. Submitter to LOVD: Johan den Dunnen.

Literature cited by the submitters: PubMed 20400964 (cited by 6 submitters); PubMed 24315737 (cited by Labcorp Genetics (formerly Invitae), Labcorp and Ambry Genetics); PubMed 25470109 (cited by 4 submitters); PubMed 26261251 (cited by 3 submitters); PubMed 26976419 (cited by 4 submitters); PubMed 37253112 (cited by Labcorp Genetics (formerly Invitae), Labcorp and Color Diagnostics, LLC DBA Color Health); PubMed 25085752 (cited by Myriad Genetics, Inc.); PubMed 33471991 (cited by Department of Pathology and Laboratory Medicine, Sinai Health System and Sema4).